The following is an entry in ClinVar:

NM_022455.5(NSD1):c.5146+1G>A

Gene: NSD1 (nuclear receptor binding SET domain protein 1; plus strand). Cytogenetic location: 5q35.3.
Variant type: single nucleotide variant.
Coding change: c.5146+1G>A on transcript NM_022455.5 (MANE Select); the canonical splice donor site of the intron after coding-DNA position 5146, G replaced by A.
Molecular consequence: splice donor variant.
Genome position (GRCh38, 1-based): chr5:177,260,169, G>A. VCF-style: chr5-177260169-G-A. GRCh37 (hg19) VCF-style: chr5-176687170-G-A.
Other names: c.5146+1G>A (NM_001409301.1, NM_001409302.1, NM_001409303.1); c.4726+1G>A (NM_001409304.1); c.4393+1G>A (NM_001409305.1); c.4384+1G>A (NM_001409306.1, NM_001409307.1); c.4273+1G>A (NM_001409308.1, NM_172349.5, NM_001409309.1 and 1 more transcripts).
Identifiers: ClinVar variation 159360 (VCV000159360.15), dbSNP rs587784139, ClinGen allele CA294939.

ClinVar aggregate classification (germline): Pathogenic/Likely pathogenic. Review status: criteria provided, multiple submitters, no conflicts (2 of 4 stars). 3 submissions from 3 submitters: Pathogenic (2); Likely pathogenic (1). Last evaluated 2021-07-15.

Conditions:
Sotos syndrome (SOTOS). Also called: Distinctive facial appearance, overgrowth in childhood, and learning disabilities or delayed development; CEREBRAL GIGANTISM; Sotos' syndrome; CHROMOSOME 5q35 DELETION SYNDROME; SOTOS SYNDROME 1. Identifiers: Orphanet 821, MedGen C0175695, MONDO:0019349, OMIM 117550.

Submissions (3):

Genome-Nilou Lab
Classification: Pathogenic for Sotos syndrome. Last evaluated: 2021-07-15. Review status: criteria provided, single submitter. Criteria: ACMG Guidelines, 2015. Collection method: clinical testing. Allele origin: germline. Affected: no.

Labcorp Genetics (formerly Invitae), Labcorp
Classification: Likely pathogenic. Last evaluated: 2019-07-30. Review status: criteria provided, single submitter. Criteria: Invitae Variant Classification Sherloc (09022015). Collection method: clinical testing. Allele origin: germline.
Comment: This variant has not been reported in the literature in individuals with NSD1-related conditions. ClinVar contains an entry for this variant (Variation ID: 159360). In summary, the currently available evidence indicates that the variant is pathogenic, but additional data are needed to prove that conclusively. Therefore, this variant has been classified as Likely Pathogenic. Donor and acceptor splice site variants typically lead to a loss of protein function (PMID: 16199547), and loss-of-function variants in NSD1 are known to be pathogenic (PMID: 12464997, 14571271, 15942875, 16247291). Algorithms developed to predict the effect of sequence changes on RNA splicing suggest that this variant may disrupt the consensus splice site, but this prediction has not been confirmed by published transcriptional studies. This variant is not present in population databases (ExAC no frequency). This sequence change affects a donor splice site in intron 14 of the NSD1 gene. It is expected to disrupt RNA splicing and likely results in an absent or disrupted protein product.

Genetic Services Laboratory, University of Chicago
Classification: Pathogenic for Sotos syndrome 1. Last evaluated: 2013-02-08. Review status: criteria provided, single submitter. Criteria: ACMG Guidelines, 2007. Collection method: clinical testing. Allele origin: germline. Inheritance: Autosomal dominant inheritance. Affected: yes.

Literature cited by the submitters: PubMed 16199547 (cited by Labcorp Genetics (formerly Invitae), Labcorp); PubMed 12464997 (cited by Labcorp Genetics (formerly Invitae), Labcorp); PubMed 14571271 (cited by Labcorp Genetics (formerly Invitae), Labcorp); PubMed 15942875 (cited by Labcorp Genetics (formerly Invitae), Labcorp); PubMed 16247291 (cited by Labcorp Genetics (formerly Invitae), Labcorp).